The following is an entry in ClinVar:

ClinVar aggregate classification (germline): Likely benign. Review status: reviewed by expert panel (3 of 4 stars). 4 submissions from 4 submitters: Likely benign (1). 3 of the submissions do not count toward it. Last evaluated 2017-06-29.

Conditions:
Hereditary cancer-predisposing syndrome. Also called: Hereditary neoplastic syndrome; Hereditary Cancer Syndrome; Neoplastic Syndromes, Hereditary; Tumor predisposition. Identifiers: Orphanet 140162, MedGen C0027672, MeSH D009386, MONDO:0015356.
Hereditary breast ovarian cancer syndrome. Also called: Hereditary breast and ovarian cancer syndrome; BRCA1- and BRCA2-Associated Hereditary Breast and Ovarian Cancer; Hereditary breast and/or ovarian cancer syndrome; Hereditary breast and ovarian cancer; Breast and ovarian cancer; Hereditary breast and ovarian cancer syndrome (HBOC). Identifiers: Orphanet 145, MedGen C0677776, MeSH D061325, MONDO:0003582. Disease mechanism: loss of function.
Breast-ovarian cancer, familial, susceptibility to, 2 (BROVCA2). Also called: BRCA2 Hereditary Breast and Ovarian Cancer. Identifiers: Orphanet 145, MedGen C2675520, MONDO:0012933, OMIM 612555. Disease mechanism: loss of function.

Allele frequency attached by ClinVar (database versions not stated): gnomAD exomes below 0.00001; ExAC 0.00001.
gnomAD v4.1: 3 of 1,590,040 alleles (0.00019%); highest among the groups gnomAD compares: South Asian, 0.0012%; no homozygotes.

Submissions (4):

Evidence-based Network for the Interpretation of Germline Mutant Alleles (ENIGMA)
Classification: Likely benign for Breast-ovarian cancer, familial, susceptibility to, 2. Last evaluated: 2017-06-29. Review status: reviewed by expert panel. Criteria: ENIGMA BRCA1/2 Classification Criteria (2017-06-29). Collection method: curation. Allele origin: germline.
Comment: Synonymous substitution variant, with low bioinformatic likelihood to result in a splicing aberration (Splicing prior probability 0.02).

Molecular Pathology, Peter Maccallum Cancer Centre
Classification: Uncertain significance for Breast-ovarian cancer, familial, susceptibility to, 2. Last evaluated: 2024-04-04. Review status: criteria provided, single submitter. Criteria: ACMG Guidelines, 2015. Collection method: clinical testing. Allele origin: germline. Inheritance: Autosomal dominant inheritance. Not counted in ClinVar's aggregate classification.

Labcorp Genetics (formerly Invitae), Labcorp
Classification: Likely benign for Hereditary breast ovarian cancer syndrome. Last evaluated: 2023-08-24. Review status: criteria provided, single submitter. Criteria: Invitae Variant Classification Sherloc (09022015). Collection method: clinical testing. Allele origin: germline. Not counted in ClinVar's aggregate classification.

Ambry Genetics
Classification: Likely benign for Hereditary cancer-predisposing syndrome. Last evaluated: 2020-12-01. Review status: criteria provided, single submitter. Criteria: Ambry Variant Classification Scheme 2023. Collection method: clinical testing. Allele origin: germline. Not counted in ClinVar's aggregate classification.

NM_000059.4(BRCA2):c.6471A>G (p.Gln2157=)

Gene: BRCA2 (BRCA2 DNA repair associated; plus strand). Cytogenetic location: 13q13.1.
Variant type: single nucleotide variant.
Coding change: c.6471A>G on transcript NM_000059.4 (MANE Select); coding-DNA position 6471, A replaced by G.
Protein change: p.Gln2157=; no amino-acid change (glutamine 2157 retained).
Molecular consequence: synonymous variant.
Genome position (GRCh38, 1-based): chr13:32,340,826, A>G. VCF-style: chr13-32340826-A-G. GRCh37 (hg19) VCF-style: chr13-32914963-A-G.
Identifiers: ClinVar variation 427447 (VCV000427447.11), dbSNP rs775882736, ClinGen allele CA6940958.